The following is an entry in ClinVar:

NM_206933.4(USH2A):c.13442G>A (p.Arg4481Lys)

Gene: USH2A (usherin; minus strand). Cytogenetic location: 1q41.
Variant type: single nucleotide variant.
Coding change: c.13442G>A on transcript NM_206933.4 (MANE Select); coding-DNA position 13442, G replaced by A.
Protein change: p.Arg4481Lys; replaces arginine 4481 with lysine.
Molecular consequence: missense variant.
Genome position (GRCh38, 1-based): chr1:215,674,469, C>T on the plus strand (G>A on the coding strand, the complement: USH2A is on the minus strand). VCF-style: chr1-215674469-C-T. GRCh37 (hg19) VCF-style: chr1-215847811-C-T.
Other names: short protein forms R4481K.
Identifiers: ClinVar variation 4750850 (VCV004750850.2).

ClinVar aggregate classification (germline): Uncertain significance. Review status: criteria provided, multiple submitters, no conflicts (2 of 4 stars). 2 submissions from 2 submitters: Uncertain significance (2). Last evaluated 2025-11-15.

gnomAD v4.1: 8 of 1,614,162 alleles (0.0005%); highest among the groups gnomAD compares: Non-Finnish European, 0.00068%; no homozygotes.

Submissions (2):

Labcorp Genetics (formerly Invitae), Labcorp
Classification: Uncertain significance. Last evaluated: 2025-11-15. Review status: criteria provided, single submitter. Criteria: Invitae Variant Classification Sherloc (09022015). Collection method: clinical testing. Allele origin: germline.
Comment: This sequence change replaces arginine, which is basic and polar, with lysine, which is basic and polar, at codon 4481 of the USH2A protein (p.Arg4481Lys). This variant is present in population databases (no rsID available, gnomAD 0.0009%). This missense change has been observed in individual(s) with retinitis pigmentosa (internal data). Invitae Evidence Modeling of protein sequence and biophysical properties (such as structural, functional, and spatial information, amino acid conservation, physicochemical variation, residue mobility, and thermodynamic stability) has been performed for this missense variant. However, the output from this modeling did not meet the statistical confidence thresholds required to predict the impact of this variant on USH2A protein function. This variant disrupts the p.Arg4481 amino acid residue in USH2A. Other variant(s) that disrupt this residue have been observed in individuals with USH2A-related conditions (PMID: 27208204), which suggests that this may be a clinically significant amino acid residue. In summary, the available evidence is currently insufficient to determine the role of this variant in disease. Therefore, it has been classified as a Variant of Uncertain Significance.

Blueprint Genetics
Classification: Uncertain significance. Last evaluated: 2022-01-06. Review status: criteria provided, single submitter. Criteria: ACMG Guidelines, 2015. Collection method: clinical testing. Allele origin: germline.

Literature cited by the submitters: PubMed 27208204 (cited by Labcorp Genetics (formerly Invitae), Labcorp).